The following is an entry in ClinVar:

NM_012200.4(B3GAT3):c.467G>A (p.Arg156His)

Gene: B3GAT3 (beta-1,3-glucuronyltransferase 3; minus strand). Cytogenetic location: 11q12.3.
Variant type: single nucleotide variant.
Coding change: c.467G>A on transcript NM_012200.4 (MANE Select); coding-DNA position 467, G replaced by A.
Protein change: p.Arg156His; replaces arginine 156 with histidine.
Molecular consequence: missense variant. On other transcripts: non-coding transcript variant (1).
Genome position (GRCh38, 1-based): chr11:62,617,138, C>T on the plus strand (G>A on the coding strand, the complement: B3GAT3 is on the minus strand). VCF-style: chr11-62617138-C-T. GRCh37 (hg19) VCF-style: chr11-62384610-C-T.
Other names: c.446G>A, p.Arg149His (NM_001288721.2); c.467G>A, p.Arg156His (NM_001288722.2, NM_001288723.2); c.467G>A (NM_012200.3); short protein forms R156H, R149H.
Identifiers: ClinVar variation 1413935 (VCV001413935.6), dbSNP rs1215648192, ClinGen allele CA380976941.

ClinVar aggregate classification (germline): Uncertain significance. Review status: criteria provided, single submitter (1 of 4 stars). 2 submissions from 2 submitters: Uncertain significance (1). 1 of the submissions does not count toward it. Last evaluated 2024-03-05.

Conditions:
B3GAT3-related disorder. Also called: B3GAT3-related condition.
Larsen-like syndrome, B3GAT3 type. Also called: Multiple joint dislocations, short stature, craniofacial dysmorphism, with or without congenital heart defects; MULTIPLE JOINT DISLOCATIONS, SHORT STATURE, AND CRANIOFACIAL DYSMORPHISM WITH OR WITHOUT CONGENITAL HEART DEFECTS. Identifiers: Orphanet 284139, MedGen CN034159, MONDO:0009511, OMIM 245600.

Allele frequency attached by ClinVar (database versions not stated): gnomAD exomes below 0.00001 and 0.00004; gnomAD 0.00001; TOPMed 0.00001.
gnomAD v4.1: 63 of 1,613,908 alleles (0.0039%); highest among the groups gnomAD compares: Non-Finnish European, 0.005%; no homozygotes.

Submissions (2):

Labcorp Genetics (formerly Invitae), Labcorp
Classification: Uncertain significance for Larsen-like syndrome, B3GAT3 type. Last evaluated: 2024-03-05. Review status: criteria provided, single submitter. Criteria: Invitae Variant Classification Sherloc (09022015). Collection method: clinical testing. Allele origin: germline.
Comment: This sequence change replaces arginine, which is basic and polar, with histidine, which is basic and polar, at codon 156 of the B3GAT3 protein (p.Arg156His). This variant is present in population databases (no rsID available, gnomAD no frequency). This variant has not been reported in the literature in individuals affected with B3GAT3-related conditions. ClinVar contains an entry for this variant (Variation ID: 1413935). Advanced modeling of protein sequence and biophysical properties (such as structural, functional, and spatial information, amino acid conservation, physicochemical variation, residue mobility, and thermodynamic stability) performed at Invitae indicates that this missense variant is expected to disrupt B3GAT3 protein function with a positive predictive value of 80%. In summary, the available evidence is currently insufficient to determine the role of this variant in disease. Therefore, it has been classified as a Variant of Uncertain Significance.

PreventionGenetics, part of Exact Sciences
Classification: Uncertain significance for B3GAT3-related condition. Last evaluated: 2024-04-10. Review status: no assertion criteria provided. Collection method: clinical testing. Allele origin: germline. Not counted in ClinVar's aggregate classification.
Comment: The B3GAT3 c.467G>A variant is predicted to result in the amino acid substitution p.Arg156His. To our knowledge, this variant has not been reported in the literature. This variant is reported in 0.0% of alleles in individuals of African descent in gnomAD. At this time, the clinical significance of this variant is uncertain due to the absence of conclusive functional and genetic evidence.